The following is an entry in ClinVar:

NM_001100913.3(PACS2):c.341T>C (p.Met114Thr)

Gene: PACS2 (phosphofurin acidic cluster sorting protein 2; plus strand). Cytogenetic location: 14q32.33.
Variant type: single nucleotide variant.
Coding change: c.341T>C on transcript NM_001100913.3 (MANE Select); coding-DNA position 341, T replaced by C.
Protein change: p.Met114Thr; replaces methionine 114 with threonine.
Molecular consequence: missense variant.
Genome position (GRCh38, 1-based): chr14:105,355,095, T>C. VCF-style: chr14-105355095-T-C. GRCh37 (hg19) VCF-style: chr14-105821432-T-C.
Other names: c.140T>C, p.Met47Thr (NM_001243127.3); c.341T>C, p.Met114Thr (NM_015197.4); short protein forms M114T, M47T.
Identifiers: ClinVar variation 2444548 (VCV002444548.2), dbSNP rs1442488430, ClinGen allele CA391200546.

ClinVar aggregate classification (germline): Uncertain significance (1 of 4 stars; one submission).

Allele frequency attached by ClinVar (database versions not stated): TOPMed below 0.00001.

Submission:

GeneDx
Classification: Uncertain significance. Last evaluated: 2024-10-22. Review status: criteria provided, single submitter. Criteria: GeneDx Variant Classification Process June 2021. Collection method: clinical testing. Allele origin: germline.
Comment: Not observed at significant frequency in large population cohorts (gnomAD); In silico analysis supports that this missense variant has a deleterious effect on protein structure/function; Has not been previously published as pathogenic or benign to our knowledge